The following is an entry in ClinVar:

NM_005529.7(HSPG2):c.7893G>A (p.Pro2631=)

Gene: HSPG2 (heparan sulfate proteoglycan 2; minus strand). Cytogenetic location: 1p36.12.
Variant type: single nucleotide variant.
Coding change: c.7893G>A on transcript NM_005529.7 (MANE Select); coding-DNA position 7893, G replaced by A.
Protein change: p.Pro2631=; no amino-acid change (proline 2631 retained).
Molecular consequence: synonymous variant.
Genome position (GRCh38, 1-based): chr1:21,847,821, C>T on the plus strand (G>A on the coding strand, the complement: HSPG2 is on the minus strand). VCF-style: chr1-21847821-C-T. GRCh37 (hg19) VCF-style: chr1-22174314-C-T.
Other names: c.7896G>A, p.Pro2632= (NM_001291860.2).
Identifiers: ClinVar variation 4874089 (VCV004874089.2).

ClinVar aggregate classification (germline): Likely benign (1 of 4 stars; one submission).

gnomAD v4.1: 11 of 1,613,852 alleles (0.00068%); highest among the groups gnomAD compares: East Asian, 0.0045%; no homozygotes.

Submission:

CeGaT Center for Human Genetics Tuebingen
Classification: Likely benign. Last evaluated: 2026-04-01. Review status: criteria provided, single submitter. Criteria: CeGaT Center For Human Genetics Tuebingen Variant Classification Criteria Version 2. Collection method: clinical testing. Allele origin: germline. Affected: yes. Observed: 1 variant allele.
Comment: HSPG2: BP4, BP7